The following is an entry in ClinVar:

NM_001453.3(FOXC1):c.587C>T (p.Pro196Leu)

Gene: FOXC1 (forkhead box C1; plus strand). Cytogenetic location: 6p25.3.
Variant type: single nucleotide variant.
Coding change: c.587C>T on transcript NM_001453.3 (MANE Select); coding-DNA position 587, C replaced by T.
Protein change: p.Pro196Leu; replaces proline 196 with leucine.
Molecular consequence: missense variant.
Genome position (GRCh38, 1-based): chr6:1,611,032, C>T. VCF-style: chr6-1611032-C-T. GRCh37 (hg19) VCF-style: chr6-1611267-C-T.
Other names: c.587C>T (NM_001453.2); short protein forms P196L.
Identifiers: ClinVar variation 2991907 (VCV002991907.4), dbSNP rs891439006, ClinGen allele CA133390263.

ClinVar aggregate classification (germline): Uncertain significance. Review status: criteria provided, multiple submitters, no conflicts (2 of 4 stars). 2 submissions from 2 submitters: Uncertain significance (2). Last evaluated 2025-05-04.

Conditions:
Inborn genetic diseases. Identifiers: MedGen C0950123, MeSH D030342.
Axenfeld-Rieger syndrome type 3 (RIEG3). Also called: AXENFELD-RIEGER ANOMALY WITH CARDIAC DEFECTS AND/OR SENSORINEURAL HEARING LOSS. Identifiers: Orphanet 782, MedGen C2678503, MONDO:0011233, OMIM 602482.

Allele frequency attached by ClinVar (database versions not stated): TOPMed below 0.00001.
gnomAD v4.1: 9 of 1,546,778 alleles (0.00058%); highest among the groups gnomAD compares: Non-Finnish European, 0.0007%; no homozygotes.

Submissions (2):

Ambry Genetics
Classification: Uncertain significance for Inborn genetic diseases. Last evaluated: 2025-05-04. Review status: criteria provided, single submitter. Criteria: Ambry Variant Classification Scheme 2023. Collection method: clinical testing. Allele origin: germline.

Labcorp Genetics (formerly Invitae), Labcorp
Classification: Uncertain significance for Axenfeld-Rieger syndrome type 3. Last evaluated: 2024-01-15. Review status: criteria provided, single submitter. Criteria: Invitae Variant Classification Sherloc (09022015). Collection method: clinical testing. Allele origin: germline.
Comment: This sequence change replaces proline, which is neutral and non-polar, with leucine, which is neutral and non-polar, at codon 196 of the FOXC1 protein (p.Pro196Leu). This variant is present in population databases (no rsID available, gnomAD 0.005%). This variant has not been reported in the literature in individuals affected with FOXC1-related conditions. An algorithm developed to predict the effect of missense changes on protein structure and function (PolyPhen-2) suggests that this variant is likely to be tolerated. In summary, the available evidence is currently insufficient to determine the role of this variant in disease. Therefore, it has been classified as a Variant of Uncertain Significance.